The following is an entry in ClinVar:

ClinVar aggregate classification (germline): Uncertain significance (1 of 4 stars; one submission).

Conditions:
Myasthenic syndrome, congenital, 22 (CMS22). Also called: PREPL DEFICIENCY. Identifiers: MedGen C4479088, MONDO:0044299, OMIM 616224.

Allele frequency attached by ClinVar (database versions not stated): ExAC 0.00003; gnomAD exomes 0.00003 and 0.00006; TOPMed 0.00005; gnomAD 0.00008 and 0.00009.
gnomAD v4.1: 66 of 1,613,202 alleles (0.0041%); highest among the groups gnomAD compares: Non-Finnish European, 0.00076%; no homozygotes.

Submission:

Labcorp Genetics (formerly Invitae), Labcorp
Classification: Uncertain significance for Myasthenic syndrome, congenital, 22. Last evaluated: 2022-02-05. Review status: criteria provided, single submitter. Criteria: Invitae Variant Classification Sherloc (09022015). Collection method: clinical testing. Allele origin: germline.
Comment: This sequence change replaces leucine, which is neutral and non-polar, with histidine, which is basic and polar, at codon 712 of the PREPL protein (p.Leu712His). This variant is present in population databases (rs746165384, gnomAD 0.1%). This variant has not been reported in the literature in individuals affected with PREPL-related conditions. Algorithms developed to predict the effect of missense changes on protein structure and function are either unavailable or do not agree on the potential impact of this missense change (SIFT: "Deleterious"; PolyPhen-2: "Probably Damaging"; Align-GVGD: "Class C0"). In summary, the available evidence is currently insufficient to determine the role of this variant in disease. Therefore, it has been classified as a Variant of Uncertain Significance.

NM_001171613.2(PREPL):c.1868T>A (p.Leu623His)

Genes: PREPL (prolyl endopeptidase like; minus strand), SLC3A1 (solute carrier family 3 member 1; plus strand). Cytogenetic location: 2p21.
Variant type: single nucleotide variant.
Coding change: c.1868T>A on transcript NM_001171613.2 (MANE Select); coding-DNA position 1868, T replaced by A.
Protein change: p.Leu623His; replaces leucine 623 with histidine.
Molecular consequence: missense variant. On other transcripts: 3 prime UTR variant (1).
Genome position (GRCh38, 1-based): chr2:44,321,405, A>T on the plus strand (T>A on the coding strand, the complement: PREPL is on the minus strand). VCF-style: chr2-44321405-A-T. GRCh37 (hg19) VCF-style: chr2-44548544-A-T.
Other names: c.*766A>T (NM_000341.4); c.1949T>A, p.Leu650His (NM_001042385.2); c.1937T>A, p.Leu646His (NM_001042386.2); c.2135T>A, p.Leu712His (NM_001171603.1, NM_001171606.2, NM_001374275.1 and 2 more transcripts); c.1868T>A, p.Leu623His (NM_001171617.1, NM_001374277.1); short protein forms L623H, L650H, L712H, L646H.
Identifiers: ClinVar variation 1467997 (VCV001467997.4), dbSNP rs746165384, ClinGen allele CA1640871.
Genomic context (GRCh38, chr2:44,321,405, plus strand): 5'-AATGCAGTGTTTCAGAATTTCAGGTATTTCTTAAGATCCTCGAAAACACTGGTGCTGTCA[A>T]GTCCAAGTTCCTCGTACAGGAATTTAATTTGGGCTGTAATCTAAAAGAAACACATTAAAA-3'
Protein context (NP_001165084.1, residues 613-633): QIKFLYEELG[Leu623His]DSTSVFEDLK